The following is an entry in ClinVar:

ClinVar aggregate classification (germline): Likely pathogenic (1 of 4 stars; one submission).

Conditions:
Neuronal ceroid lipofuscinosis 7 (CLN7). Also called: MFSD8-Related Neuronal Ceroid-Lipofuscinosis. Identifiers: Orphanet 168491, Orphanet 228366, MedGen C1838571, MONDO:0012588, OMIM 610951.

Submission:

Labcorp Genetics (formerly Invitae), Labcorp
Classification: Likely pathogenic for Neuronal ceroid lipofuscinosis 7. Last evaluated: 2022-02-04. Review status: criteria provided, single submitter. Criteria: Invitae Variant Classification Sherloc (09022015). Collection method: clinical testing. Allele origin: germline.
Comment: This sequence change affects an acceptor splice site in intron 8 of the MFSD8 gene. It is expected to disrupt RNA splicing. Variants that disrupt the donor or acceptor splice site typically lead to a loss of protein function (PMID: 16199547), and loss-of-function variants in MFSD8 are known to be pathogenic (PMID: 19177532, 25227500, 28586915). This variant is not present in population databases (gnomAD no frequency). In summary, the currently available evidence indicates that the variant is pathogenic, but additional data are needed to prove that conclusively. Therefore, this variant has been classified as Likely Pathogenic. Algorithms developed to predict the effect of sequence changes on RNA splicing suggest that this variant may disrupt the consensus splice site. This variant has not been reported in the literature in individuals affected with MFSD8-related conditions.

Literature cited by the submitters: PubMed 16199547; PubMed 19177532; PubMed 25227500; PubMed 28586915.

NM_001371596.2(MFSD8):c.755-2A>C

Gene: MFSD8 (major facilitator superfamily domain containing 8; minus strand). Cytogenetic location: 4q28.2.
Variant type: single nucleotide variant.
Coding change: c.755-2A>C on transcript NM_001371596.2 (MANE Select); the canonical splice acceptor site of the intron before coding-DNA position 755, A replaced by C.
Molecular consequence: splice acceptor variant.
Genome position (GRCh38, 1-based): chr4:127,933,095, T>G on the plus strand (A>C on the coding strand, the complement: MFSD8 is on the minus strand). VCF-style: chr4-127933095-T-G. GRCh37 (hg19) VCF-style: chr4-128854250-T-G.
Other names: c.473-2A>C (NM_001371595.1); c.305-2A>C (NM_001410765.1); c.620-2A>C (NM_001371590.2); c.755-2A>C (NM_152778.4, NM_001371591.2); c.440-2A>C (NM_001363521.3); c.641-2A>C (NM_001410766.1, NM_001371593.2); c.554-2A>C (NM_001363520.3); c.608-2A>C (NM_001371594.2); and 1 more.
Identifiers: ClinVar variation 2093210 (VCV002093210.4), dbSNP rs2546094362, ClinGen allele CA358174822.